The following is an entry in ClinVar:

NM_001040177.3(AKR1E2):c.103G>A (p.Asp35Asn)

Gene: AKR1E2 (aldo-keto reductase family 1 member E2; plus strand). Cytogenetic location: 10p15.1.
Variant type: single nucleotide variant.
Coding change: c.103G>A on transcript NM_001040177.3 (MANE Select); coding-DNA position 103, G replaced by A.
Protein change: p.Asp35Asn; replaces aspartic acid 35 with asparagine.
Molecular consequence: missense variant. On other transcripts: non-coding transcript variant (3).
Genome position (GRCh38, 1-based): chr10:4,830,738, G>A. VCF-style: chr10-4830738-G-A. GRCh37 (hg19) VCF-style: chr10-4872930-G-A.
Other names: c.103G>A, p.Asp35Asn (NM_001271021.2, NM_001271025.2); short protein forms D35N.
Identifiers: ClinVar variation 677203 (VCV000677203.2), dbSNP rs61745201, ClinGen allele CA5388953.

ClinVar aggregate classification (germline): Benign. Review status: criteria provided, multiple submitters, no conflicts (2 of 4 stars). 2 submissions from 2 submitters: Benign (2). Last evaluated 2018-05-17.

Allele frequency attached by ClinVar (database versions not stated): 1000 Genomes Project 0.02716; 1000 Genomes Project 30x 0.02764; TOPMed 0.04882; gnomAD 0.05135 and 0.05378; gnomAD exomes 0.05184 and 0.06438; ExAC 0.05440; ESP Exome Variant Server 0.05551.
gnomAD v4.1: 101,553 of 1,613,988 alleles (6.3%); highest among the groups gnomAD compares: Non-Finnish European, 7.1%; 3,594 homozygotes.

Submissions (2):

GeneDx
Classification: Benign. Last evaluated: 2018-05-17. Review status: criteria provided, single submitter. Criteria: GeneDx Variant Classification (06012015). Collection method: clinical testing. Allele origin: germline. Affected: yes.
Comment: This variant is considered likely benign or benign based on one or more of the following criteria: it is a conservative change, it occurs at a poorly conserved position in the protein, it is predicted to be benign by multiple in silico algorithms, and/or has population frequency not consistent with disease.

Breakthrough Genomics
Classification: Benign. Review status: criteria provided, single submitter. Criteria: ACMG Guidelines, 2015. Collection method: not provided. Allele origin: germline. Inheritance: Unknown mechanism. Affected: yes.